The following is an entry in ClinVar:

NM_182961.4(SYNE1):c.23461-287A>G

Gene: SYNE1 (spectrin repeat containing nuclear envelope protein 1; minus strand). Cytogenetic location: 6q25.2.
Variant type: single nucleotide variant.
Coding change: c.23461-287A>G on transcript NM_182961.4 (MANE Select); 287 bases into the intron before coding-DNA position 23461, A replaced by G.
Molecular consequence: intron variant.
Genome position (GRCh38, 1-based): chr6:152,176,847, T>C on the plus strand (A>G on the coding strand, the complement: SYNE1 is on the minus strand). VCF-style: chr6-152176847-T-C. GRCh37 (hg19) VCF-style: chr6-152497982-T-C.
Other names: c.23248-287A>G (NM_033071.5); c.67-287A>G (NM_001347701.2).
Identifiers: ClinVar variation 673711 (VCV000673711.1), dbSNP rs111965707, ClinGen allele CA150191650.
Genomic context (GRCh38, chr6:152,176,847, plus strand): 5'-AATAGGATGCTGCTTCCTATTTACTTGAAATACATATTAAAAAACAATAAAAGATAGATA[T>C]AAAAAATAAAACTTAAAAGATTTTAATATTGGAAAATTATAGTTTATTTCTCTCATCACT-3'

ClinVar aggregate classification (germline): Likely benign (1 of 4 stars; one submission).

Allele frequency attached by ClinVar (database versions not stated): gnomAD 0.01097 and 0.01162; 1000 Genomes Project 0.01178; 1000 Genomes Project 30x 0.01327; TOPMed 0.01363.
gnomAD v4.1: 1,671 of 152,198 alleles (1.1%); highest among the groups gnomAD compares: African/African-American, 3.1%; 35 homozygotes.

Submission:

GeneDx
Classification: Likely benign. Last evaluated: 2018-06-16. Review status: criteria provided, single submitter. Criteria: GeneDx Variant Classification (06012015). Collection method: clinical testing. Allele origin: germline. Affected: yes.
Comment: This variant is considered likely benign or benign based on one or more of the following criteria: it is a conservative change, it occurs at a poorly conserved position in the protein, it is predicted to be benign by multiple in silico algorithms, and/or has population frequency not consistent with disease.